The following is an entry in ClinVar:

ClinVar aggregate classification (germline): Uncertain significance (1 of 4 stars; one submission).

Conditions:
Giant axonal neuropathy 1 (GAN1). Also called: GIANT AXONAL NEUROPATHY 1, AUTOSOMAL RECESSIVE; GAN-Related Neurodegeneration. Identifiers: Orphanet 643, MedGen C1850386, MONDO:0009749, OMIM 256850.

gnomAD v4.1: 4 of 1,606,598 alleles (0.00025%); highest among the groups gnomAD compares: African/African-American, 0.004%; no homozygotes.

Submission:

Labcorp Genetics (formerly Invitae), Labcorp
Classification: Uncertain significance for Giant axonal neuropathy 1. Last evaluated: 2022-07-12. Review status: criteria provided, single submitter. Criteria: Invitae Variant Classification Sherloc (09022015). Collection method: clinical testing. Allele origin: germline.
Comment: In summary, the available evidence is currently insufficient to determine the role of this variant in disease. Therefore, it has been classified as a Variant of Uncertain Significance. Algorithms developed to predict the effect of missense changes on protein structure and function are either unavailable or do not agree on the potential impact of this missense change (SIFT: "Tolerated"; PolyPhen-2: "Possibly Damaging"; Align-GVGD: "Class C0"). ClinVar contains an entry for this variant (Variation ID: 582736). This variant has not been reported in the literature in individuals affected with GAN-related conditions. This variant is not present in population databases (gnomAD no frequency). This sequence change replaces proline, which is neutral and non-polar, with alanine, which is neutral and non-polar, at codon 349 of the GAN protein (p.Pro349Ala).

NM_022041.4(GAN):c.1045C>G (p.Pro349Ala)

Gene: GAN (gigaxonin; plus strand). Cytogenetic location: 16q23.2.
Variant type: single nucleotide variant.
Coding change: c.1045C>G on transcript NM_022041.4 (MANE Select); coding-DNA position 1045, C replaced by G.
Protein change: p.Pro349Ala; replaces proline 349 with alanine.
Molecular consequence: missense variant.
Genome position (GRCh38, 1-based): chr16:81,362,570, C>G. VCF-style: chr16-81362570-C-G. GRCh37 (hg19) VCF-style: chr16-81396175-C-G.
Other names: c.406C>G, p.Pro136Ala (NM_001377486.1); short protein forms P349A, P136A.
Identifiers: ClinVar variation 582736 (VCV000582736.8), dbSNP rs374004725, ClinGen allele CA396875186.